The following is an entry in ClinVar:

NM_000327.4(ROM1):c.796G>A (p.Gly266Ser)

Gene: ROM1 (retinal outer segment membrane protein 1; plus strand). Cytogenetic location: 11q12.3.
Variant type: single nucleotide variant.
Coding change: c.796G>A on transcript NM_000327.4 (MANE Select); coding-DNA position 796, G replaced by A.
Protein change: p.Gly266Ser; replaces glycine 266 with serine.
Molecular consequence: missense variant.
Genome position (GRCh38, 1-based): chr11:62,614,463, G>A. VCF-style: chr11-62614463-G-A. GRCh37 (hg19) VCF-style: chr11-62381935-G-A.
Other names: short protein forms G266S.
Identifiers: ClinVar variation 2871663 (VCV002871663.3), dbSNP rs1360395253, ClinGen allele CA380972672.

ClinVar aggregate classification (germline): Uncertain significance (1 of 4 stars; one submission).

Allele frequency attached by ClinVar (database versions not stated): gnomAD exomes below 0.00001; gnomAD 0.00001; TOPMed 0.00002.

Submission:

Labcorp Genetics (formerly Invitae), Labcorp
Classification: Uncertain significance. Last evaluated: 2023-05-01. Review status: criteria provided, single submitter. Criteria: Invitae Variant Classification Sherloc (09022015). Collection method: clinical testing. Allele origin: germline.
Comment: This sequence change replaces glycine, which is neutral and non-polar, with serine, which is neutral and polar, at codon 266 of the ROM1 protein (p.Gly266Ser). In summary, the available evidence is currently insufficient to determine the role of this variant in disease. Therefore, it has been classified as a Variant of Uncertain Significance. Advanced modeling of protein sequence and biophysical properties (such as structural, functional, and spatial information, amino acid conservation, physicochemical variation, residue mobility, and thermodynamic stability) performed at Invitae indicates that this missense variant is not expected to disrupt ROM1 protein function. This variant has not been reported in the literature in individuals affected with ROM1-related conditions. This variant is not present in population databases (gnomAD no frequency).